The following is an entry in ClinVar:

NM_001009944.3(PKD1):c.6399C>T (p.Phe2133=)

Gene: PKD1 (polycystin 1, transient receptor potential channel interacting; minus strand). Cytogenetic location: 16p13.3.
Variant type: single nucleotide variant.
Coding change: c.6399C>T on transcript NM_001009944.3 (MANE Select); coding-DNA position 6399, C replaced by T.
Protein change: p.Phe2133=; no amino-acid change (phenylalanine 2133 retained).
Molecular consequence: synonymous variant.
Genome position (GRCh38, 1-based): chr16:2,108,768, G>A on the plus strand (C>T on the coding strand, the complement: PKD1 is on the minus strand). VCF-style: chr16-2108768-G-A. GRCh37 (hg19) VCF-style: chr16-2158769-G-A.
Other names: c.6399C>T, p.Phe2133= (NM_000296.4).
Identifiers: ClinVar variation 4847841 (VCV004847841.1).

ClinVar aggregate classification (germline): Uncertain significance (1 of 4 stars; one submission).

gnomAD v4.1: 55 of 1,571,674 alleles (0.0035%); highest among the groups gnomAD compares: East Asian, 0.012%; no homozygotes.

Submission:

Women's Health and Genetics/Laboratory Corporation of America, LabCorp
Classification: Uncertain significance. Last evaluated: 2026-02-26. Review status: criteria provided, single submitter. Criteria: LabCorp Variant Classification Summary - May 2015. Collection method: clinical testing. Allele origin: germline.
Comment: Variant summary: PKD1 c.6399C>T alters a conserved nucleotide resulting in a synonymous change. Several computational tools predict a significant impact on normal splicing: One predicts the variant creates a cryptic 3' acceptor site. Two predict the variant strengthens a cryptic 3' acceptor site. However, these predictions have yet to be confirmed by functional studies. The variant allele was found at a frequency of 5.4e-05 in 186554 control chromosomes (gnomAD). This frequency is not significantly higher than estimated for disease-causing variants in PKD1, allowing no conclusion about variant significance. To our knowledge, no occurrence of c.6399C>T in individuals affected with PKD1-related conditions and no experimental evidence demonstrating its impact on protein function have been reported. No submitters have cited clinical-significance assessments for this variant to ClinVar. Based on the evidence outlined above, the variant was classified as uncertain significance.